The following is an entry in ClinVar:

NM_001127178.3(PIGG):c.2635G>A (p.Val879Met)

Gene: PIGG (phosphatidylinositol glycan anchor biosynthesis class G (EMM blood group); plus strand). Cytogenetic location: 4p16.3.
Variant type: single nucleotide variant.
Coding change: c.2635G>A on transcript NM_001127178.3 (MANE Select); coding-DNA position 2635, G replaced by A.
Protein change: p.Val879Met; replaces valine 879 with methionine.
Molecular consequence: missense variant. On other transcripts: non-coding transcript variant (10).
Genome position (GRCh38, 1-based): chr4:533,881, G>A. VCF-style: chr4-533881-G-A. GRCh37 (hg19) VCF-style: chr4-527670-G-A.
Other names: c.2368G>A, p.Val790Met (NM_001289051.2, NM_001345986.2); c.2236G>A, p.Val746Met (NM_001289052.2); c.2344G>A, p.Val782Met (NM_001345987.2); c.1606G>A, p.Val536Met (NM_001345988.2); c.1102G>A, p.Val368Met (NM_001345990.2, NM_001345991.2); c.1537G>A, p.Val513Met (NM_001345994.2); c.2611G>A, p.Val871Met (NM_017733.5); c.2635G>A (NM_001127178.1); short protein forms V782M, V513M, V790M, V368M, V536M, V746M, V871M, V879M.
Identifiers: ClinVar variation 1486217 (VCV001486217.6), dbSNP rs780094078, ClinGen allele CA2793702.

ClinVar aggregate classification (germline): Conflicting classifications of pathogenicity. Review status: criteria provided, conflicting classifications (1 of 4 stars). 2 submissions from 2 submitters: Uncertain significance (1); Likely benign (1). Last evaluated 2024-12-03.

Conditions:
Intellectual disability, autosomal recessive 53 (NEDHSCA). Also called: NEURODEVELOPMENTAL DISORDER WITH OR WITHOUT HYPOTONIA, SEIZURES, AND CEREBELLAR ATROPHY; GLYCOSYLPHOSPHATIDYLINOSITOL BIOSYNTHESIS DEFECT 13; Mental retardation, autosomal recessive 53. Identifiers: Orphanet 488635, MedGen C4310794, MONDO:0014832, OMIM 616917.
Inborn genetic diseases. Identifiers: MedGen C0950123, MeSH D030342.

Allele frequency attached by ClinVar (database versions not stated): gnomAD 0.00001; TOPMed 0.00001; gnomAD exomes 0.00002 and 0.00004; ExAC 0.00007.
gnomAD v4.1: 36 of 1,614,084 alleles (0.0022%); highest among the groups gnomAD compares: South Asian, 0.026%; 1 homozygote.

Submissions (2):

Ambry Genetics
Classification: Likely benign for Inborn genetic diseases. Last evaluated: 2024-12-03. Review status: criteria provided, single submitter. Criteria: Ambry Variant Classification Scheme 2023. Collection method: clinical testing. Allele origin: germline.

Labcorp Genetics (formerly Invitae), Labcorp
Classification: Uncertain significance for Intellectual disability, autosomal recessive 53. Last evaluated: 2022-08-15. Review status: criteria provided, single submitter. Criteria: Invitae Variant Classification Sherloc (09022015). Collection method: clinical testing. Allele origin: germline.
Comment: This sequence change replaces valine, which is neutral and non-polar, with methionine, which is neutral and non-polar, at codon 879 of the PIGG protein (p.Val879Met). This variant is present in population databases (rs780094078, gnomAD 0.03%). This variant has not been reported in the literature in individuals affected with PIGG-related conditions. ClinVar contains an entry for this variant (Variation ID: 1486217). Algorithms developed to predict the effect of missense changes on protein structure and function output the following: SIFT: "Tolerated"; PolyPhen-2: "Benign"; Align-GVGD: "Class C0". The methionine amino acid residue is found in multiple mammalian species, which suggests that this missense change does not adversely affect protein function. In summary, the available evidence is currently insufficient to determine the role of this variant in disease. Therefore, it has been classified as a Variant of Uncertain Significance.